The following is an entry in ClinVar:

NM_006005.3(WFS1):c.2182G>A (p.Gly728Ser)

Gene: WFS1 (wolframin ER transmembrane glycoprotein; plus strand). Cytogenetic location: 4p16.1.
Variant type: single nucleotide variant.
Coding change: c.2182G>A on transcript NM_006005.3 (MANE Select); coding-DNA position 2182, G replaced by A.
Protein change: p.Gly728Ser; replaces glycine 728 with serine.
Molecular consequence: missense variant.
Genome position (GRCh38, 1-based): chr4:6,301,977, G>A. VCF-style: chr4-6301977-G-A. GRCh37 (hg19) VCF-style: chr4-6303704-G-A.
Other names: c.2182G>A, p.Gly728Ser (NM_001145853.1); short protein forms G728S.
Identifiers: ClinVar variation 130750 (VCV000130750.18), dbSNP rs202195756, ClinGen allele CA179669.

ClinVar aggregate classification (germline): Uncertain significance/Uncertain risk allele. Review status: criteria provided, multiple submitters, no conflicts (2 of 4 stars). 6 submissions from 6 submitters: Uncertain significance (5); Uncertain risk allele (1). Last evaluated 2025-11-10.

Conditions:
Inborn genetic diseases. Identifiers: MedGen C0950123, MeSH D030342.
Wolfram syndrome 1 (WFS1). Identifiers: Orphanet 3463, MedGen C4551693, MONDO:0009101, OMIM 222300.

Allele frequency attached by ClinVar (database versions not stated): gnomAD exomes 0.00004; ExAC 0.00007; gnomAD 0.00001; 1000 Genomes Project 0.00020; TOPMed 0.00004; 1000 Genomes Project 30x 0.00016.
gnomAD v4.1: 31 of 1,612,700 alleles (0.0019%); highest among the groups gnomAD compares: East Asian, 0.025%; no homozygotes.

Submissions (6):

GeneDx
Classification: Uncertain significance. Last evaluated: 2025-11-10. Review status: criteria provided, single submitter. Criteria: GeneDx Variant Classification Process June 2021. Collection method: clinical testing. Allele origin: germline.
Comment: Has not been previously published as pathogenic or benign to our knowledge; In silico analysis suggests that this missense variant does not alter protein structure/function; This variant is associated with the following publications: (PMID: 33879153)

Labcorp Genetics (formerly Invitae), Labcorp
Classification: Uncertain significance. Last evaluated: 2025-04-14. Review status: criteria provided, single submitter. Criteria: Invitae Variant Classification Sherloc (09022015). Collection method: clinical testing. Allele origin: germline.
Comment: This sequence change replaces glycine, which is neutral and non-polar, with serine, which is neutral and polar, at codon 728 of the WFS1 protein (p.Gly728Ser). This variant is present in population databases (rs202195756, gnomAD 0.02%). This variant has not been reported in the literature in individuals affected with WFS1-related conditions. ClinVar contains an entry for this variant (Variation ID: 130750). Invitae Evidence Modeling of protein sequence and biophysical properties (such as structural, functional, and spatial information, amino acid conservation, physicochemical variation, residue mobility, and thermodynamic stability) has been performed for this missense variant. However, the output from this modeling did not meet the statistical confidence thresholds required to predict the impact of this variant on WFS1 protein function. In summary, the available evidence is currently insufficient to determine the role of this variant in disease. Therefore, it has been classified as a Variant of Uncertain Significance.

Ambry Genetics
Classification: Uncertain significance for Inborn genetic diseases. Last evaluated: 2025-01-21. Review status: criteria provided, single submitter. Criteria: Ambry Variant Classification Scheme 2023. Collection method: clinical testing. Allele origin: germline.
Comment: Unlikely to be causative of Wolfram-like syndrome (AD) Based on insufficient or conflicting evidence, the clinical significance of this alteration remains unclear.

Laboratory for Molecular Medicine, Mass General Brigham Personalized Medicine
Classification: Uncertain significance. Last evaluated: 2014-06-05. Review status: criteria provided, single submitter. Criteria: LMM Criteria. Collection method: clinical testing. Allele origin: germline. Observed: 1 variant allele.
Comment: The Gly728Ser variant in WFS1 has not been previously reported in individuals wi th hearing loss, but it has been identified in 0.56% (1/178) of Japanese chromos omes by the 1000 Genomes Project (dbSNP rs202195756). Although this variant has been seen in the general population, its frequency is not high enough to rule ou t a pathogenic role. The glycine (Gly) at position 728 is mostly conserved in m ammals and evolutionary distant species; however, one primate (gorilla) carries a serine (Ser) at this position. While this might raise the possibility that a c hange at this position may be tolerated, this occurrence in one species is not s ufficient to make this assumption. Additional computational prediction tools do not provide strong support for or against an impact to the protein. Splicing pre diction tools suggest that this variant may introduce a 3' splice site within th e exon; however, this information is not predictive enough to determine pathogen icity. In summary, the clinical significance of the Gly728Ser variant is uncerta in.

Genetic Services Laboratory, University of Chicago
Classification: Uncertain significance. Last evaluated: 2014-02-18. Review status: criteria provided, single submitter. Criteria: ACMG Guidelines, 2007. Collection method: clinical testing. Allele origin: germline. Inheritance: Autosomal recessive inheritance.

Clinical Genomics, Uppaluri K&H Personalized Medicine Clinic
Classification: Uncertain risk allele for Wolfram syndrome 1. Review status: criteria provided, single submitter. Criteria: K & H Uppaluri Personalized Medicine Clinic Variant Classification & Assertion Criteria_Updated V.1. Collection method: research. Allele origin: unknown. Inheritance: Autosomal recessive inheritance.
Comment: Potent mutations in WFS1 gene are associated with Wolfram's syndrome, an autosomal recessive condition, which cause diabetes mellitus, diabetes insipidus, deafness and optic atrophy. However no sufficient evidence is found to ascertain the role of this particular variant rs202195756 in Wolfram's syndrome yet.

Literature cited by the submitters: PubMed 20738327 (cited by Clinical Genomics, Uppaluri K&H Personalized Medicine Clinic); PubMed 33879153 (cited by Clinical Genomics, Uppaluri K&H Personalized Medicine Clinic); PubMed 12955714 (cited by Clinical Genomics, Uppaluri K&H Personalized Medicine Clinic); PubMed 18060660 (cited by Clinical Genomics, Uppaluri K&H Personalized Medicine Clinic); PubMed 20301750 (cited by Clinical Genomics, Uppaluri K&H Personalized Medicine Clinic); PubMed 17603484 (cited by Clinical Genomics, Uppaluri K&H Personalized Medicine Clinic).